The following is an entry in ClinVar:

ClinVar aggregate classification (germline): Uncertain significance (1 of 4 stars; one submission).

Submission:

Women's Health and Genetics/Laboratory Corporation of America, LabCorp
Classification: Uncertain significance. Last evaluated: 2026-06-15. Review status: criteria provided, single submitter. Criteria: LabCorp Variant Classification Summary - May 2015. Collection method: clinical testing. Allele origin: germline.
Comment: Variant summary: PPIL1 c.254A>G (p.Glu85Gly) results in a non-conservative amino acid change in the encoded protein sequence. Algorithms developed to predict the effect of missense changes on protein structure and function are either unavailable or do not agree on the potential impact of this missense change. The variant was absent in 251440 control chromosomes. The available data on variant occurrences in the general population are insufficient to allow any conclusion about variant significance. To our knowledge, no occurrence of c.254A>G in individuals affected with PPIL1-related conditions and no experimental evidence demonstrating its impact on protein function have been reported. No submitters have cited clinical-significance assessments for this variant to ClinVar. Based on the evidence outlined above, the variant was classified as uncertain significance.

NM_016059.5(PPIL1):c.254A>G (p.Glu85Gly)

Gene: PPIL1 (peptidylprolyl isomerase like 1; minus strand). Cytogenetic location: 6p21.2.
Variant type: single nucleotide variant.
Coding change: c.254A>G on transcript NM_016059.5 (MANE Select); coding-DNA position 254, A replaced by G.
Protein change: p.Glu85Gly; replaces glutamic acid 85 with glycine.
Molecular consequence: missense variant.
Genome position (GRCh38, 1-based): chr6:36,856,612, T>C on the plus strand (A>G on the coding strand, the complement: PPIL1 is on the minus strand). VCF-style: chr6-36856612-T-C. GRCh37 (hg19) VCF-style: chr6-36824388-T-C.
Other names: short protein forms E85G.
Identifiers: ClinVar variation 4887247 (VCV004887247.1).